The following is an entry in ClinVar:

NM_001005388.3(NFASC):c.2734G>A (p.Val912Ile)

Gene: NFASC (neurofascin; plus strand). Cytogenetic location: 1q32.1.
Variant type: single nucleotide variant.
Coding change: c.2734G>A on transcript NM_001005388.3 (MANE Select); coding-DNA position 2734, G replaced by A.
Protein change: p.Val912Ile; replaces valine 912 with isoleucine.
Molecular consequence: missense variant.
Genome position (GRCh38, 1-based): chr1:204,988,773, G>A. VCF-style: chr1-204988773-G-A. GRCh37 (hg19) VCF-style: chr1-204957901-G-A.
Other names: c.3088G>A, p.Val1030Ile (NM_001160331.2); c.3043G>A, p.Val1015Ile (NM_001160332.2, NM_015090.4); c.2722G>A, p.Val908Ile (NM_001365986.1); c.3055G>A, p.Val1019Ile (NM_001378329.1); short protein forms V1015I, V1019I, V1030I, V908I, V912I.
Identifiers: ClinVar variation 1701623 (VCV001701623.1), dbSNP rs199913513, ClinGen allele CA1350431.

ClinVar aggregate classification (germline): Uncertain significance (1 of 4 stars; one submission).

Conditions:
Neurodevelopmental disorder with central and peripheral motor dysfunction. Identifiers: MedGen C5193049, MONDO:0032698, OMIM 618356.

Allele frequency attached by ClinVar (database versions not stated): gnomAD 0.00005; TOPMed 0.00005; ESP Exome Variant Server 0.00008.
gnomAD v4.1: 43 of 1,613,950 alleles (0.0027%); highest among the groups gnomAD compares: Middle Eastern, 0.016%; no homozygotes.

Submission:

New York Genome Center
Classification: Uncertain significance for Neurodevelopmental disorder with central and peripheral motor dysfunction. Last evaluated: 2021-09-03. Review status: criteria provided, single submitter. Criteria: NYGC Assertion Criteria 2020. Collection method: clinical testing. Allele origin: inherited. Observed: 1 compound heterozygote. Study: CSER-NYCKidSeq.
Comment: The inherited c.2734G>A p.(Val912Ile) variant identified in the NFASC gene has not previously been reported in the literature or public variant repositories (ClinVar and LOVD). The variant has been observed at very low frequencies (0.00005) in population databases with no homozygous allele suggesting it is not a common benign variant in the populations represented in those databases. In silico algorithms predict conflicting effects of the variant on the encoded transcript. Based on the available evidence the c.2734G>A variant identified in the NFASC gene is classified as a Variant of Unknown Significance.